The following is an entry in ClinVar:

ClinVar aggregate classification (germline): Uncertain significance. Review status: criteria provided, multiple submitters, no conflicts (2 of 4 stars). 2 submissions from 2 submitters: Uncertain significance (2). Last evaluated 2026-01-19.

Conditions:
Inborn genetic diseases. Identifiers: MedGen C0950123, MeSH D030342.

Allele frequency attached by ClinVar (database versions not stated): gnomAD exomes 0.00001 and 0.00002; gnomAD 0.00003; TOPMed 0.00003.
gnomAD v4.1: 12 of 1,612,636 alleles (0.00074%); highest among the groups gnomAD compares: Admixed American, 0.017%; no homozygotes.

Submissions (2):

Labcorp Genetics (formerly Invitae), Labcorp
Classification: Uncertain significance. Last evaluated: 2026-01-19. Review status: criteria provided, single submitter. Criteria: Invitae Variant Classification Sherloc (09022015). Collection method: clinical testing. Allele origin: germline.
Comment: This sequence change replaces phenylalanine, which is neutral and non-polar, with tyrosine, which is neutral and polar, at codon 163 of the ARMC9 protein (p.Phe163Tyr). This variant is present in population databases (no rsID available, gnomAD 0.02%). This variant has not been reported in the literature in individuals affected with ARMC9-related conditions. ClinVar contains an entry for this variant (Variation ID: 1502486). Experimental studies and prediction algorithms are not available or were not evaluated, and the functional significance of this variant is currently unknown. In summary, the available evidence is currently insufficient to determine the role of this variant in disease. Therefore, it has been classified as a Variant of Uncertain Significance.

Ambry Genetics
Classification: Uncertain significance for Inborn genetic diseases. Last evaluated: 2022-07-25. Review status: criteria provided, single submitter. Criteria: Ambry Variant Classification Scheme 2023. Collection method: clinical testing. Allele origin: germline.

NM_001352754.2(ARMC9):c.488T>A (p.Phe163Tyr)

Gene: ARMC9 (armadillo repeat containing 9; plus strand). Cytogenetic location: 2q37.1.
Variant type: single nucleotide variant.
Coding change: c.488T>A on transcript NM_001352754.2 (MANE Select); coding-DNA position 488, T replaced by A.
Protein change: p.Phe163Tyr; replaces phenylalanine 163 with tyrosine.
Molecular consequence: missense variant. On other transcripts: non-coding transcript variant (1).
Genome position (GRCh38, 1-based): chr2:231,216,777, T>A. VCF-style: chr2-231216777-T-A. GRCh37 (hg19) VCF-style: chr2-232081490-T-A.
Other names: c.488T>A, p.Phe163Tyr (NM_001271466.4, NM_001291656.2, NM_001352755.2 and 5 more transcripts); c.488T>A (NM_025139.3); short protein forms F163Y.
Identifiers: ClinVar variation 1502486 (VCV001502486.5), dbSNP rs1157757818, ClinGen allele CA350947353.
Genomic context (GRCh38, chr2:231,216,777, plus strand): 5'-CAGAGTTTCTTCCTTTCTATGCCCTTCCTTTTGTTCCCAACCCTATGGTGCACCCCTCAT[T>A]TAAAGAACTCTTCCAGGTAAATGTCAGCTTTTAACTCTTGTGTCAGATCCTGGGTGACAT-3'
Protein context (NP_001339683.2, residues 153-173): FVPNPMVHPS[Phe163Tyr]KELFQDSWTP